The following is an entry in ClinVar:

ClinVar aggregate classification (germline): Uncertain significance. Review status: criteria provided, multiple submitters, no conflicts (2 of 4 stars). 2 submissions from 2 submitters: Uncertain significance (2). Last evaluated 2025-09-26.

Conditions:
Inborn genetic diseases. Identifiers: MedGen C0950123, MeSH D030342.

Allele frequency attached by ClinVar (database versions not stated): ExAC 0.00001; gnomAD 0.00001; gnomAD exomes 0.00001; TOPMed 0.00001.
gnomAD v4.1: 12 of 1,612,810 alleles (0.00074%); highest among the groups gnomAD compares: Non-Finnish European, 0.001%; no homozygotes.

Submissions (2):

Ambry Genetics
Classification: Uncertain significance for Inborn genetic diseases. Last evaluated: 2025-09-26. Review status: criteria provided, single submitter. Criteria: Ambry Variant Classification Scheme 2023. Collection method: clinical testing. Allele origin: germline.

GeneDx
Classification: Uncertain significance. Last evaluated: 2022-11-11. Review status: criteria provided, single submitter. Criteria: GeneDx Variant Classification Process June 2021. Collection method: clinical testing. Allele origin: germline. Affected: yes.
Comment: Not observed at significant frequency in large population cohorts (gnomAD); In silico analysis supports that this missense variant has a deleterious effect on protein structure/function; Has not been previously published as pathogenic or benign to our knowledge

NM_016360.4(TACO1):c.208A>G (p.Lys70Glu)

Gene: TACO1 (translational activator of cytochrome c oxidase I; plus strand). Cytogenetic location: 17q23.3.
Variant type: single nucleotide variant.
Coding change: c.208A>G on transcript NM_016360.4 (MANE Select); coding-DNA position 208, A replaced by G.
Protein change: p.Lys70Glu; replaces lysine 70 with glutamic acid.
Molecular consequence: missense variant.
Genome position (GRCh38, 1-based): chr17:63,601,291, A>G. VCF-style: chr17-63601291-A-G. GRCh37 (hg19) VCF-style: chr17-61678650-A-G.
Other names: short protein forms K70E.
Identifiers: ClinVar variation 2501932 (VCV002501932.2), dbSNP rs747909445, ClinGen allele CA8702053.